The following is an entry in ClinVar:

ClinVar aggregate classification (germline): Conflicting classifications of pathogenicity. Review status: criteria provided, conflicting classifications (1 of 4 stars). 11 submissions from 11 submitters: Uncertain significance (10); Likely benign (1). Last evaluated 2026-07-22.

Conditions:
MSH6-related disorder. Also called: MSH6-related condition; MSH6-Related disorders.
Hereditary nonpolyposis colorectal neoplasms. Identifiers: MedGen C0009405, MeSH D003123.
Endometrial carcinoma. Also called: Endometrial carcinoma, somatic. Identifiers: MedGen C0476089, MONDO:0002447, OMIM 608089, HP:0012114.
Lynch syndrome 5 (LYNCH5). Also called: Colorectal cancer, hereditary nonpolyposis, type 5; Hereditary non-polyposis colorectal cancer, type 5. Identifiers: Orphanet 144, MedGen C1833477, MONDO:0013710, OMIM 614350. Disease mechanism: loss of function.
Mismatch repair cancer syndrome 3. Identifiers: MedGen C5436807, MONDO:0030841, OMIM 619097.
Hereditary cancer-predisposing syndrome. Also called: Neoplastic Syndromes, Hereditary; Tumor predisposition; Hereditary neoplastic syndrome; Hereditary Cancer Syndrome. Identifiers: Orphanet 140162, MedGen C0027672, MeSH D009386, MONDO:0015356.
Lynch syndrome. Identifiers: Orphanet 144, MedGen C4552100, MONDO:0005835. Disease mechanism: loss of function.

Allele frequency attached by ClinVar (database versions not stated): TOPMed 0.00002.
gnomAD v4.1: 34 of 1,614,038 alleles (0.0021%); highest among the groups gnomAD compares: African/African-American, 0.004%; no homozygotes.

Submissions (11):

PreventionGenetics, part of Exact Sciences
Classification: Uncertain significance for MSH6-related condition. Last evaluated: 2026-07-22. Review status: criteria provided, single submitter. Criteria: ACMG Guidelines, 2015. Collection method: clinical testing. Allele origin: germline.
Comment: The MSH6 c.743G>A variant is predicted to result in the amino acid substitution p.Arg248Gln. This variant was reported in an individual with breast cancer (Hu et al. 2022. PubMed ID: 35449176). This variant is reported in 0.0099% of alleles in individuals of Ashkenazi Jewish descent in gnomAD and has conflicting interpretations in ClinVar ranging from likely benign to uncertain (Variation ID: 184990). At this time, the clinical significance of this variant is uncertain due to the absence of conclusive functional and genetic evidence.

Labcorp Genetics (formerly Invitae), Labcorp
Classification: Likely benign for Hereditary nonpolyposis colorectal neoplasms. Last evaluated: 2026-02-04. Review status: criteria provided, single submitter. Criteria: Invitae Variant Classification Sherloc (09022015). Collection method: clinical testing. Allele origin: germline.

Ambry Genetics
Classification: Uncertain significance for Hereditary cancer-predisposing syndrome. Last evaluated: 2025-08-26. Review status: criteria provided, single submitter. Criteria: Ambry Variant Classification Scheme 2023. Collection method: clinical testing. Allele origin: germline.
Comment: The p.R248Q variant (also known as c.743G>A), located in coding exon 4 of the MSH6 gene, results from a G to A substitution at nucleotide position 743. The arginine at codon 248 is replaced by glutamine, an amino acid with highly similar properties. This amino acid position is well conserved in available vertebrate species. In addition, the in silico prediction for this alteration is inconclusive. Based on the available evidence, the clinical significance of this variant remains unclear.

Center for Genomic Medicine, Rigshospitalet, Copenhagen University Hospital
Classification: Uncertain significance. Last evaluated: 2025-03-04. Review status: criteria provided, single submitter. Criteria: ACMG Guidelines, 2015. Collection method: clinical testing. Allele origin: germline.

All of Us Research Program, National Institutes of Health
Classification: Uncertain significance for Lynch syndrome. Last evaluated: 2024-09-23. Review status: criteria provided, single submitter. Criteria: ACMG Guidelines, 2015. Collection method: clinical testing. Allele origin: germline. Inheritance: Autosomal dominant inheritance. Observed: 4 variant alleles, 4 heterozygotes.
Comment: This missense variant replaces arginine with glutamine at codon 248 of the MSH6 protein. Computational prediction is inconclusive regarding the impact of this variant on protein structure and function (internally defined REVEL score threshold 0.5 < inconclusive < 0.7, PMID: 27666373). To our knowledge, functional studies have not been reported for this variant. This variant has not been reported in individuals affected with MSH6-related disorders in the literature. This variant has been identified in 2/251102 chromosomes in the general population by the Genome Aggregation Database (gnomAD). The available evidence is insufficient to determine the role of this variant in disease conclusively. Therefore, this variant is classified as a Variant of Uncertain Significance.

This study involves interpretation of variants in research participants for the purpose of population health screening. Participant phenotype was not available at the time of variant classification. Additional details can be found in publication PMID: 35346344, PMCID: PMC8962531

Blueprint Genetics
Classification: Uncertain significance. Last evaluated: 2024-07-17. Review status: criteria provided, single submitter. Criteria: ACMG Guidelines, 2015. Collection method: clinical testing. Allele origin: germline.

Fulgent Genetics
Classification: Uncertain significance for Endometrial carcinoma; Lynch syndrome 5; Mismatch repair cancer syndrome 3. Last evaluated: 2024-03-09. Review status: criteria provided, single submitter. Criteria: ACMG Guidelines, 2015. Collection method: clinical testing. Allele origin: germline.

GeneDx
Classification: Uncertain significance. Last evaluated: 2023-12-19. Review status: criteria provided, single submitter. Criteria: GeneDx Variant Classification Process June 2021. Collection method: clinical testing. Allele origin: germline. Affected: yes.
Comment: Not observed at significant frequency in large population cohorts (gnomAD); In silico analysis supports that this missense variant has a deleterious effect on protein structure/function; This variant is associated with the following publications: (PMID: 21437237, 35449176, 34326862)

Quest Diagnostics Nichols Institute San Juan Capistrano
Classification: Uncertain significance. Last evaluated: 2023-09-12. Review status: criteria provided, single submitter. Criteria: Quest Diagnostics criteria. Collection method: clinical testing. Allele origin: unknown.
Comment: In the published literature, this variant has been reported in individuals with breast cancer (PMID: 35449176 (2022) and suspected of having a hereditary cancer syndrome (PMID: 34326862 (2021)). The frequency of this variant in the general population, 0.000008 (2/251102 chromosomes (Genome Aggregation Database)), is uninformative in the assessment of its pathogenicity. Analysis of this variant using bioinformatics tools for the prediction of the effect of amino acid changes on protein structure and function yielded predictions that this variant is benign. Based on the available information, we are unable to determine the clinical significance of this variant.

Color Diagnostics, LLC DBA Color Health
Classification: Uncertain significance for Hereditary cancer-predisposing syndrome. Last evaluated: 2023-08-01. Review status: criteria provided, single submitter. Criteria: ACMG Guidelines, 2015. Collection method: clinical testing. Allele origin: germline.
Comment: This missense variant replaces arginine with glutamine at codon 248 of the MSH6 protein. Computational prediction is inconclusive regarding the impact of this variant on protein structure and function (internally defined REVEL score threshold 0.5 < inconclusive < 0.7, PMID: 27666373). To our knowledge, functional studies have not been reported for this variant. This variant has not been reported in individuals affected with MSH6-related disorders in the literature. This variant has been identified in 2/251102 chromosomes in the general population by the Genome Aggregation Database (gnomAD). The available evidence is insufficient to determine the role of this variant in disease conclusively. Therefore, this variant is classified as a Variant of Uncertain Significance.

Women's Health and Genetics/Laboratory Corporation of America, LabCorp
Classification: Uncertain significance. Last evaluated: 2022-04-14. Review status: criteria provided, single submitter. Criteria: LabCorp Variant Classification Summary - May 2015. Collection method: clinical testing. Allele origin: germline.

Literature cited by the submitters: PubMed 35449176 (cited by Quest Diagnostics Nichols Institute San Juan Capistrano); PubMed 34326862 (cited by Quest Diagnostics Nichols Institute San Juan Capistrano).

NM_000179.3(MSH6):c.743G>A (p.Arg248Gln)

Gene: MSH6 (mutS homolog 6; plus strand). Cytogenetic location: 2p16.3.
Variant type: single nucleotide variant.
Coding change: c.743G>A on transcript NM_000179.3 (MANE Select); coding-DNA position 743, G replaced by A.
Protein change: p.Arg248Gln; replaces arginine 248 with glutamine.
Molecular consequence: missense variant. On other transcripts: 5 prime UTR variant (2).
Genome position (GRCh38, 1-based): chr2:47,798,726, G>A. VCF-style: chr2-47798726-G-A. GRCh37 (hg19) VCF-style: chr2-48025865-G-A.
Other names: c.353G>A, p.Arg118Gln (NM_001281492.2); c.-164G>A (NM_001281493.2, NM_001281494.2); short protein forms R248Q, R118Q.
Identifiers: ClinVar variation 184990 (VCV000184990.28), dbSNP rs764870249, ClinGen allele CA016402.